The following is an entry in ClinVar:

NM_000089.4(COL1A2):c.3815G>T (p.Cys1272Phe)

Gene: COL1A2 (collagen type I alpha 2 chain; plus strand). Cytogenetic location: 7q21.3.
Variant type: single nucleotide variant.
Coding change: c.3815G>T on transcript NM_000089.4 (MANE Select); coding-DNA position 3815, G replaced by T.
Protein change: p.Cys1272Phe; replaces cysteine 1272 with phenylalanine.
Molecular consequence: missense variant.
Genome position (GRCh38, 1-based): chr7:94,429,291, G>T. VCF-style: chr7-94429291-G-T. GRCh37 (hg19) VCF-style: chr7-94058603-G-T.
Other names: short protein forms C1272F.
Identifiers: ClinVar variation 948124 (VCV000948124.9), dbSNP rs1554398835, ClinGen allele CA368226808.

ClinVar aggregate classification (germline): Pathogenic (1 of 4 stars; one submission).

Conditions:
Osteogenesis imperfecta type I (OI1). Also called: Lobstein's Disease; OI, TYPE I; OSTEOGENESIS IMPERFECTA TARDA; OSTEOGENESIS IMPERFECTA WITH BLUE SCLERAE; Osteogenesis imperfecta type 1; Lobstein disease. Identifiers: Orphanet 216796, Orphanet 666, MedGen C0023931, MONDO:0008146, OMIM 166200. Disease mechanism: loss of function.
Ehlers-Danlos syndrome, classic type, 1 (EDSCL1). Also called: Ehlers-Danlos syndrome, type 1; EHLERS-DANLOS SYNDROME, GRAVIS TYPE; EHLERS-DANLOS SYNDROME, SEVERE CLASSIC TYPE; EDS I; Ehlers-Danlos Syndrome, Classic Type, COL5A1-Related. Identifiers: MedGen C0268335, MONDO:0019567, OMIM 130000.

Submission:

Labcorp Genetics (formerly Invitae), Labcorp
Classification: Pathogenic for Osteogenesis imperfecta type I; Ehlers-Danlos syndrome, classic type, 1. Last evaluated: 2021-11-19. Review status: criteria provided, single submitter. Criteria: Invitae Variant Classification Sherloc (09022015). Collection method: clinical testing. Allele origin: germline.
Comment: This missense change has been observed in individual(s) with autosomal dominant osteogenesis imperfecta (PMID: 33070251; Invitae). For these reasons, this variant has been classified as Pathogenic. This variant disrupts the p.Cys1272 amino acid residue in COL1A2. Other variant(s) that disrupt this residue have been observed in individuals with COL1A2-related conditions (PMID: 26627451, 27509835, 28725987), which suggests that this may be a clinically significant amino acid residue. Advanced modeling of protein sequence and biophysical properties (such as structural, functional, and spatial information, amino acid conservation, physicochemical variation, residue mobility, and thermodynamic stability) performed at Invitae indicates that this missense variant is expected to disrupt COL1A2 protein function. ClinVar contains an entry for this variant (Variation ID: 948124). This variant is not present in population databases (gnomAD no frequency). This sequence change replaces cysteine, which is neutral and slightly polar, with phenylalanine, which is neutral and non-polar, at codon 1272 of the COL1A2 protein (p.Cys1272Phe).

Literature cited by the submitters: PubMed 33070251; PubMed 26627451; PubMed 27509835; PubMed 28725987.